The following is an entry in ClinVar:

NM_000038.6(APC):c.6050C>T (p.Thr2017Ile)

Gene: APC (APC regulator of Wnt signaling pathway; plus strand). Cytogenetic location: 5q22.2.
Variant type: single nucleotide variant.
Coding change: c.6050C>T on transcript NM_000038.6 (MANE Select); coding-DNA position 6050, C replaced by T.
Protein change: p.Thr2017Ile; replaces threonine 2017 with isoleucine.
Molecular consequence: missense variant.
Genome position (GRCh38, 1-based): chr5:112,841,644, C>T. VCF-style: chr5-112841644-C-T. GRCh37 (hg19) VCF-style: chr5-112177341-C-T.
Other names: c.6050C>T, p.Thr2017Ile (NM_001127510.3, NM_001354895.2); c.5996C>T, p.Thr1999Ile (NM_001127511.3); c.6104C>T, p.Thr2035Ile (NM_001354896.2); c.6080C>T, p.Thr2027Ile (NM_001354897.2); c.5975C>T, p.Thr1992Ile (NM_001354898.2); c.5966C>T, p.Thr1989Ile (NM_001354899.2); c.5927C>T, p.Thr1976Ile (NM_001354900.2); c.5873C>T, p.Thr1958Ile (NM_001354901.2); and 5 more; short protein forms T1916I, T1999I, T1857I, T1958I, T1734I, T1926I, T1992I, T2017I.
Identifiers: ClinVar variation 841535 (VCV000841535.50), dbSNP rs1766123052, ClinGen allele CA16034573.

ClinVar aggregate classification (germline): Uncertain significance. Review status: criteria provided, multiple submitters, no conflicts (2 of 4 stars). 2 submissions from 2 submitters: Uncertain significance (2). Last evaluated 2026-06-15.

Conditions:
Familial adenomatous polyposis 1 (FAP1). Also called: FAMILIAL ADENOMATOUS POLYPOSIS 1, ATTENUATED; POLYPOSIS, ADENOMATOUS INTESTINAL. Identifiers: MedGen C2713442, MONDO:0021056, OMIM 175100. Disease mechanism: loss of function.
Hereditary cancer-predisposing syndrome. Also called: Tumor predisposition; Hereditary neoplastic syndrome; Neoplastic Syndromes, Hereditary; Hereditary Cancer Syndrome. Identifiers: Orphanet 140162, MedGen C0027672, MeSH D009386, MONDO:0015356.

Allele frequency attached by ClinVar (database versions not stated): TOPMed below 0.00001.

Submissions (2):

Ambry Genetics
Classification: Uncertain significance for Hereditary cancer-predisposing syndrome. Last evaluated: 2026-06-15. Review status: criteria provided, single submitter. Criteria: Ambry Variant Classification Scheme 2023. Collection method: clinical testing. Allele origin: germline.
Comment: The p.T2017I variant (also known as c.6050C>T), located in coding exon 15 of the APC gene, results from a C to T substitution at nucleotide position 6050. The threonine at codon 2017 is replaced by isoleucine, an amino acid with similar properties. This amino acid position is conserved. In addition, in silico predictors for this gene do not accurately predict pathogenicity. Based on the available evidence, the clinical significance of this variant remains unclear.

Labcorp Genetics (formerly Invitae), Labcorp
Classification: Uncertain significance for Familial adenomatous polyposis 1. Last evaluated: 2019-12-19. Review status: criteria provided, single submitter. Criteria: Invitae Variant Classification Sherloc (09022015). Collection method: clinical testing. Allele origin: germline.
Comment: In summary, the available evidence is currently insufficient to determine the role of this variant in disease. Therefore, it has been classified as a Variant of Uncertain Significance. Algorithms developed to predict the effect of missense changes on protein structure and function are either unavailable or do not agree on the potential impact of this missense change (SIFT: "Deleterious"; PolyPhen-2: "Probably Damaging"; Align-GVGD: "Class C15"). This sequence change replaces threonine with isoleucine at codon 2017 of the APC protein (p.Thr2017Ile). The threonine residue is highly conserved and there is a moderate physicochemical difference between threonine and isoleucine. This variant is not present in population databases (ExAC no frequency). This variant has not been reported in the literature in individuals with APC-related conditions.